The following is an entry in ClinVar:

NM_001368894.2(PAX6):c.844_845dup (p.Glu283fs)

Gene: PAX6 (paired box 6; minus strand). Cytogenetic location: 11p13.
Variant type: Microsatellite.
Coding change: c.844_845dup on transcript NM_001368894.2 (MANE Select); coding-DNA positions 844 to 845, 2 bases duplicated (GA; older notation c.844_845dupGA).
Protein change: p.Glu283fs; shifts the reading frame from glutamic acid 283.
Molecular consequence: frameshift variant. On other transcripts: non-coding transcript variant (2).
Genome position (GRCh38, 1-based): chr11:31,793,765-31,793,766, TC duplicated on the plus strand (GA on the coding strand, the reverse complement: PAX6 is on the minus strand); duplicating any 2 consecutive bases within chr11:31,793,765-31,793,769 gives the same sequence; the c. name uses the placement nearest the transcript's 3' end. VCF-style (leftmost placement, unchanged base first): chr11-31793764-T-TTC. GRCh37 (hg19) VCF-style: chr11-31815312-T-TTC.
Other names: c.802_803dup, p.Glu269fs (NM_000280.6, NM_001127612.3, NM_001258464.2 and 10 more transcripts); c.844_845dup, p.Glu283fs (NM_001258462.3, NM_001258463.2, NM_001310158.2 and 6 more transcripts); c.394_395dup, p.Glu133fs (NM_001310160.2, NM_001310161.3, NM_001368899.2 and 11 more transcripts); c.1045_1046dup, p.Glu350fs (NM_001368910.2); c.847_848dup, p.Glu284fs (NM_001368911.2); c.919_920dup, p.Glu308fs (NM_001368918.2, NM_001368919.2); c.877_878dup, p.Glu294fs (NM_001368920.2); c.643_644dup, p.Glu216fs (NM_001368921.2, NM_001368922.2, NM_001368923.2 and 4 more transcripts); and 2 more; short protein forms E133fs, E202fs, E216fs, E269fs, E283fs, E284fs, E294fs, E308fs.
Identifiers: ClinVar variation 2672463 (VCV002672463.23), dbSNP rs2495116340, ClinGen allele CA2695201118.

ClinVar aggregate classification (germline): Pathogenic (1 of 4 stars; one submission).

Submission:

CeGaT Center for Human Genetics Tuebingen
Classification: Pathogenic. Last evaluated: 2023-11-01. Review status: criteria provided, single submitter. Criteria: CeGaT Center For Human Genetics Tuebingen Variant Classification Criteria Version 2. Collection method: clinical testing. Allele origin: germline. Affected: yes. Observed: 1 variant allele.
Comment: PAX6: PVS1, PM2, PS2:Moderate